The following is an entry in ClinVar:

ClinVar aggregate classification (germline): Pathogenic/Likely pathogenic. Review status: criteria provided, multiple submitters, no conflicts (2 of 4 stars). 2 submissions from 2 submitters: Pathogenic (1); Likely pathogenic (1). Last evaluated 2025-07-29.

Conditions:
Meckel-Gruber syndrome. Also called: DYSENCEPHALIA SPLANCHNOCYSTICA; GRUBER SYNDROME; Dysencephalia splachnocystica. Identifiers: Orphanet 564, MedGen C0265215, MONDO:0018921.
Joubert syndrome. Also called: Familial aplasia of the vermis; JOUBERT-BOLTSHAUSER SYNDROME. Identifiers: Orphanet 475, MedGen C5979921, MONDO:0018772.
Nephronophthisis. Also called: Juvenile Nephronophthisis. Identifiers: Orphanet 655, MedGen C0687120, MONDO:0019005, HP:0000090.
CEP290-related disorder. Also called: CEP290-related condition; CEP290-related disorders. Identifiers: MedGen CN239314.

Submissions (2):

Labcorp Genetics (formerly Invitae), Labcorp
Classification: Pathogenic for Joubert syndrome; Meckel-Gruber syndrome; Nephronophthisis. Last evaluated: 2025-07-29. Review status: criteria provided, single submitter. Criteria: Invitae Variant Classification Sherloc (09022015). Collection method: clinical testing. Allele origin: germline.
Comment: This sequence change creates a premature translational stop signal (p.Val1881Leufs*4) in the CEP290 gene. It is expected to result in an absent or disrupted protein product. Loss-of-function variants in CEP290 are known to be pathogenic (PMID: 16909394, 17345604, 20690115). This variant is not present in population databases (gnomAD no frequency). This variant has not been reported in the literature in individuals affected with CEP290-related conditions. For these reasons, this variant has been classified as Pathogenic.

Blueprint Genetics
Classification: Likely pathogenic for CEP290-related disorders. Last evaluated: 2021-12-01. Review status: criteria provided, single submitter. Criteria: ACMG Guidelines, 2015. Collection method: clinical testing. Allele origin: germline. Affected: yes. Observed: 1 variant allele.

Literature cited by the submitters: PubMed 16909394 (cited by Labcorp Genetics (formerly Invitae), Labcorp); PubMed 17345604 (cited by Labcorp Genetics (formerly Invitae), Labcorp); PubMed 20690115 (cited by Labcorp Genetics (formerly Invitae), Labcorp).

NM_025114.4(CEP290):c.5637del (p.Val1881fs)

Gene: CEP290 (centrosomal protein 290; minus strand). Cytogenetic location: 12q21.32.
Variant type: Deletion.
Coding change: c.5637del on transcript NM_025114.4 (MANE Select); coding-DNA position 5637, one base deleted (G; older notation c.5637delG).
Protein change: p.Val1881fs; shifts the reading frame from valine 1881.
Molecular consequence: frameshift variant.
Genome position (GRCh38, 1-based): chr12:88,077,294, C deleted on the plus strand (G on the coding strand, the reverse complement: CEP290 is on the minus strand); the first of 2 consecutive C bases (chr12:88,077,294-88,077,295); deleting either gives the same sequence. VCF-style (leftmost placement, unchanged base first): chr12-88077293-TC-T. GRCh37 (hg19) VCF-style: chr12-88471070-TC-T.
Other names: short protein forms V1881fs.
Identifiers: ClinVar variation 4785265 (VCV004785265.2).